The following is an entry in ClinVar:

NM_002582.4(PARN):c.1881C>G (p.Asn627Lys)

Gene: PARN (poly(A)-specific ribonuclease; minus strand). Cytogenetic location: 16p13.12.
Variant type: single nucleotide variant.
Coding change: c.1881C>G on transcript NM_002582.4 (MANE Select); coding-DNA position 1881, C replaced by G.
Protein change: p.Asn627Lys; replaces asparagine 627 with lysine.
Molecular consequence: missense variant.
Genome position (GRCh38, 1-based): chr16:14,436,756, G>C on the plus strand (C>G on the coding strand, the complement: PARN is on the minus strand). VCF-style: chr16-14436756-G-C. GRCh37 (hg19) VCF-style: chr16-14530613-G-C.
Other names: c.1698C>G, p.Asn566Lys (NM_001134477.3); c.1743C>G, p.Asn581Lys (NM_001242992.2); short protein forms N566K, N581K, N627K.
Identifiers: ClinVar variation 2177497 (VCV002177497.4), dbSNP rs777806186, ClinGen allele CA395183242.
Genomic context (GRCh38, chr16:14,436,756, plus strand): 5'-TTTGCTGCCCTCAGGTCTTGGTTACCATGTGTCAGGAACTTCAAAGAGTGTGGCAGGGCT[G>C]TTCTTCGAGATGCTTCCTGGTGGGAAAGAACAAAACAATATGAACAGCAGGACCAGGACG-3'
Protein context (NP_002573.1, residues 617-637): ELSPAGSISK[Asn627Lys]SPATLFEVPD

ClinVar aggregate classification (germline): Uncertain significance (1 of 4 stars; one submission).

Conditions:
Dyskeratosis congenita, autosomal recessive 6 (DKCB6). Identifiers: MedGen C4225356, MONDO:0014600, OMIM 616353.
Pulmonary fibrosis and/or bone marrow failure, Telomere-related, 4. Also called: PULMONARY FIBROSIS AND/OR BONE MARROW FAILURE SYNDROME, TELOMERE-RELATED, 4. Identifiers: Orphanet 2032, MedGen C4225347, MONDO:0014612, OMIM 616371.

gnomAD v4.1: 4 of 1,594,802 alleles (0.00025%); highest among the groups gnomAD compares: Non-Finnish European, 0.00034%; no homozygotes.

Submission:

Labcorp Genetics (formerly Invitae), Labcorp
Classification: Uncertain significance for Dyskeratosis congenita, autosomal recessive 6; Pulmonary fibrosis and/or bone marrow failure, Telomere-related, 4. Last evaluated: 2025-07-14. Review status: criteria provided, single submitter. Criteria: Invitae Variant Classification Sherloc (09022015). Collection method: clinical testing. Allele origin: germline.
Comment: This sequence change replaces asparagine, which is neutral and polar, with lysine, which is basic and polar, at codon 627 of the PARN protein (p.Asn627Lys). This variant is not present in population databases (gnomAD no frequency). This variant has not been reported in the literature in individuals affected with PARN-related conditions. ClinVar contains an entry for this variant (Variation ID: 2177497). An algorithm developed to predict the effect of missense changes on protein structure and function (PolyPhen-2) suggests that this variant is likely to be tolerated. In summary, the available evidence is currently insufficient to determine the role of this variant in disease. Therefore, it has been classified as a Variant of Uncertain Significance.